The following is an entry in ClinVar:

ClinVar aggregate classification (germline): Uncertain significance. Review status: criteria provided, multiple submitters, no conflicts (2 of 4 stars). 2 submissions from 2 submitters: Uncertain significance (2). Last evaluated 2023-10-27.

Conditions:
Hereditary cancer-predisposing syndrome. Also called: Tumor predisposition; Neoplastic Syndromes, Hereditary; Hereditary Cancer Syndrome; Hereditary neoplastic syndrome. Identifiers: Orphanet 140162, MedGen C0027672, MeSH D009386, MONDO:0015356.
Hereditary nonpolyposis colorectal neoplasms. Identifiers: MedGen C0009405, MeSH D003123.

gnomAD v4.1: 1 of 1,614,236 alleles (0.000062%); no homozygotes.

Submissions (2):

Labcorp Genetics (formerly Invitae), Labcorp
Classification: Uncertain significance for Hereditary nonpolyposis colorectal neoplasms. Last evaluated: 2023-10-27. Review status: criteria provided, single submitter. Criteria: Invitae Variant Classification Sherloc (09022015). Collection method: clinical testing. Allele origin: germline.
Comment: This sequence change replaces leucine, which is neutral and non-polar, with serine, which is neutral and polar, at codon 1060 of the MSH6 protein (p.Leu1060Ser). This variant is not present in population databases (gnomAD no frequency). This variant has not been reported in the literature in individuals affected with MSH6-related conditions. ClinVar contains an entry for this variant (Variation ID: 1728506). Advanced modeling of protein sequence and biophysical properties (such as structural, functional, and spatial information, amino acid conservation, physicochemical variation, residue mobility, and thermodynamic stability) performed at Invitae indicates that this missense variant is expected to disrupt MSH6 protein function with a positive predictive value of 80%. In summary, the available evidence is currently insufficient to determine the role of this variant in disease. Therefore, it has been classified as a Variant of Uncertain Significance.

Ambry Genetics
Classification: Uncertain significance for Hereditary cancer-predisposing syndrome. Last evaluated: 2018-12-27. Review status: criteria provided, single submitter. Criteria: Ambry Variant Classification Scheme 2023. Collection method: clinical testing. Allele origin: germline.
Comment: The p.L1060S variant (also known as c.3179T>C), located in coding exon 5 of the MSH6 gene, results from a T to C substitution at nucleotide position 3179. The leucine at codon 1060 is replaced by serine, an amino acid with dissimilar properties. This amino acid position is highly conserved in available vertebrate species. In addition, this alteration is predicted to be deleterious by in silico analysis. In addition, the CoDP in silico tool predicts this alteration to likely impact molecular function, with a score of 0.971 (Terui H et al. J. Biomed. Sci. 2013 Apr;20:25). Since supporting evidence is limited at this time, the clinical significance of this alteration remains unclear.

NM_000179.3(MSH6):c.3179T>C (p.Leu1060Ser)

Gene: MSH6 (mutS homolog 6; plus strand). Cytogenetic location: 2p16.3.
Variant type: single nucleotide variant.
Coding change: c.3179T>C on transcript NM_000179.3 (MANE Select); coding-DNA position 3179, T replaced by C.
Protein change: p.Leu1060Ser; replaces leucine 1060 with serine.
Molecular consequence: missense variant.
Genome position (GRCh38, 1-based): chr2:47,803,426, T>C. VCF-style: chr2-47803426-T-C. GRCh37 (hg19) VCF-style: chr2-48030565-T-C.
Other names: c.2273T>C, p.Leu758Ser (NM_001406829.1, NM_001281493.2, NM_001281494.2 and 6 more transcripts); c.2882T>C, p.Leu961Ser (NM_001406830.1, NM_001406797.1, NM_001406801.1 and 10 more transcripts); c.-41T>C (NM_001406831.1); c.26T>C, p.Leu9Ser (NM_001406832.1); c.1124T>C, p.Leu375Ser (NM_001407362.1); c.2789T>C, p.Leu930Ser (NM_001281492.2); c.3275T>C, p.Leu1092Ser (NM_001406795.1, NM_001406802.1); c.3179T>C, p.Leu1060Ser (NM_001406796.1, NM_001406800.1, NM_001406808.1 and 1 more transcripts); and 6 more; short protein forms L961S, L9S, L1060S, L1062S, L1092S, L375S, L538S, L758S.
Identifiers: ClinVar variation 1728506 (VCV001728506.5), dbSNP rs2104471545, ClinGen allele CA346757824.